The following is an entry in ClinVar:

NM_002485.5(NBN):c.37+5G>A

Gene: NBN (nibrin; minus strand). Cytogenetic location: 8q21.3.
Variant type: single nucleotide variant.
Coding change: c.37+5G>A on transcript NM_002485.5 (MANE Select); 5 bases into the intron after coding-DNA position 37, G replaced by A.
Molecular consequence: intron variant.
Genome position (GRCh38, 1-based): chr8:89,984,520, C>T on the plus strand (G>A on the coding strand, the complement: NBN is on the minus strand). VCF-style: chr8-89984520-C-T. GRCh37 (hg19) VCF-style: chr8-90996748-C-T.
Other names: c.-260+5G>A (NM_001024688.3).
Identifiers: ClinVar variation 140918 (VCV000140918.74), dbSNP rs116735828, ClinGen allele CA163914.

ClinVar aggregate classification (germline): Benign/Likely benign. Review status: criteria provided, multiple submitters, no conflicts (2 of 4 stars). 19 submissions from 18 submitters: Benign (14); Likely benign (2). 3 of the submissions do not count toward it. Last evaluated 2026-07-01.

Conditions:
Hereditary cancer-predisposing syndrome. Also called: Neoplastic Syndromes, Hereditary; Tumor predisposition; Hereditary neoplastic syndrome; Hereditary Cancer Syndrome. Identifiers: Orphanet 140162, MedGen C0027672, MeSH D009386, MONDO:0015356.
Acute lymphoid leukemia (ALL). Also called: Lymphoblastic leukemia; Leukemia, acute lymphoblastic, somatic; Acute lymphoblastic leukemia; Acute lymphocytic leukemia. Identifiers: Orphanet 513, MedGen C0023449, MONDO:0004967, OMIM 613065, HP:0006721.
Hereditary breast ovarian cancer syndrome. Also called: Breast and ovarian cancer; BRCA1- and BRCA2-Associated Hereditary Breast and Ovarian Cancer; Hereditary breast and/or ovarian cancer syndrome; Hereditary breast and ovarian cancer syndrome; Hereditary breast and ovarian cancer; Hereditary breast and ovarian cancer syndrome (HBOC). Identifiers: Orphanet 145, MedGen C0677776, MeSH D061325, MONDO:0003582. Disease mechanism: loss of function.
Microcephaly, normal intelligence and immunodeficiency (NBS). Also called: IMMUNODEFICIENCY, MICROCEPHALY, AND CHROMOSOMAL INSTABILITY; BERLIN BREAKAGE SYNDROME; Immunodeficiency, microcephaly with normal intelligence; SEEMANOVA SYNDROME II; Nijmegen breakage syndrome; Microcephaly with normal intelligence immunodeficiency and lymphoreticular malignancies. Identifiers: Orphanet 647, MedGen C0398791, MONDO:0009623, OMIM 251260.
Malignant tumor of breast. Also called: Malignant breast neoplasm; Cancer breast. Identifiers: MedGen C0006142, MONDO:0007254. Disease mechanism: loss of function.

Allele frequency attached by ClinVar (database versions not stated): gnomAD exomes 0.00133 and 0.00222; ExAC 0.00269; ESP Exome Variant Server 0.00685; gnomAD 0.00714 and 0.00767; TOPMed 0.00808; 1000 Genomes Project 0.00899; 1000 Genomes Project 30x 0.00968.
gnomAD v4.1: 3,076 of 1,612,808 alleles (0.19%); highest among the groups gnomAD compares: African/African-American, 2.3%; 29 homozygotes.

Submissions (25):

CeGaT Center for Human Genetics Tuebingen
Classification: Likely benign. Last evaluated: 2026-07-01. Review status: criteria provided, single submitter. Criteria: CeGaT Center For Human Genetics Tuebingen Variant Classification Criteria Version 2. Collection method: clinical testing. Allele origin: germline. Affected: yes. Observed: 13 variant alleles.
Comment: NBN: BP4

Labcorp Genetics (formerly Invitae), Labcorp
Classification: Benign for Microcephaly, normal intelligence and immunodeficiency. Last evaluated: 2026-02-03. Review status: criteria provided, single submitter. Criteria: Invitae Variant Classification Sherloc (09022015). Collection method: clinical testing. Allele origin: germline.

ARUP Laboratories, Molecular Genetics and Genomics, ARUP Laboratories
Classification: Benign. Last evaluated: 2025-07-18. Review status: criteria provided, single submitter. Criteria: ARUP Molecular Germline Variant Investigation Process 2024. Collection method: clinical testing. Allele origin: germline.

Mayo Clinic Laboratories, Mayo Clinic
Classification: Likely benign. Last evaluated: 2025-05-20. Review status: criteria provided, single submitter. Criteria: ACMG Guidelines, 2015. Collection method: clinical testing. Allele origin: germline. Observed: 6 variant alleles.
Comment: BS1, BS2, BP4

Center for Genomic Medicine, Rigshospitalet, Copenhagen University Hospital
Classification: Benign. Last evaluated: 2025-03-04. Review status: criteria provided, single submitter. Criteria: ACMG Guidelines, 2015. Collection method: clinical testing. Allele origin: germline.

KCCC/NGS Laboratory, Kuwait Cancer Control Center
Classification: Benign for Microcephaly, normal intelligence and immunodeficiency. Last evaluated: 2025-02-01. Review status: criteria provided, single submitter. Criteria: ACMG Guidelines, 2015. Collection method: clinical testing. Allele origin: germline. Affected: no.

KCCC/NGS Laboratory, Kuwait Cancer Control Center
Classification: Benign for Acute lymphoid leukemia. Last evaluated: 2023-07-07. Review status: criteria provided, single submitter. Criteria: ACMG Guidelines, 2015. Collection method: clinical testing. Allele origin: germline. Affected: yes.

Quest Diagnostics Nichols Institute San Juan Capistrano
Classification: Benign. Last evaluated: 2022-09-16. Review status: criteria provided, single submitter. Criteria: Quest Diagnostics criteria. Collection method: clinical testing. Allele origin: unknown.

National Health Laboratory Service, Universitas Academic Hospital and University of the Free State
Classification: Benign for Hereditary breast ovarian cancer syndrome. Last evaluated: 2022-04-19. Review status: criteria provided, single submitter. Criteria: ACMG Guidelines, 2015. Collection method: clinical testing. Allele origin: germline. Affected: yes. Observed: 9 variant alleles.

Sema4
Classification: Benign for Hereditary cancer-predisposing syndrome. Last evaluated: 2020-01-30. Review status: criteria provided, single submitter. Criteria: Sema4 Curation Guidelines. Collection method: curation. Allele origin: germline.

Mendelics
Classification: Benign for Microcephaly, normal intelligence and immunodeficiency. Last evaluated: 2019-05-28. Review status: criteria provided, single submitter. Criteria: Mendelics Assertion Criteria 2017. Collection method: clinical testing. Allele origin: unknown.

GeneDx
Classification: Benign. Last evaluated: 2018-11-30. Review status: criteria provided, single submitter. Criteria: GeneDx Variant Classification Process June 2021. Collection method: clinical testing. Allele origin: germline. Affected: yes.
Comment: This variant is associated with the following publications: (PMID: 30306255, 25980754, 25318351, 24549055)

Illumina Laboratory Services, Illumina
Classification: Benign for Microcephaly, normal intelligence and immunodeficiency. Last evaluated: 2017-05-01. Review status: criteria provided, single submitter. Criteria: ICSL Variant Classification Criteria 13 December 2019. Collection method: clinical testing. Allele origin: germline.
Comment: This variant was observed as part of a predisposition screen in an ostensibly healthy population. A literature search was performed for the gene, cDNA change, and amino acid change (where applicable). No publications were found based on this search. Allele frequency data from public databases was too high to be consistent with this variant causing disease. Therefore, this variant is classified as benign.

PreventionGenetics, part of Exact Sciences
Classification: Benign. Last evaluated: 2017-01-12. Review status: criteria provided, single submitter. Criteria: ACMG Guidelines, 2015. Collection method: clinical testing. Allele origin: germline.

Eurofins Ntd Llc (ga)
Classification: Benign. Last evaluated: 2015-06-30. Review status: criteria provided, single submitter. Criteria: EGL Classification Definitions 2015. Collection method: clinical testing. Allele origin: germline. Observed: 1 variant allele, 1 heterozygote.

Ambry Genetics
Classification: Benign for Hereditary cancer-predisposing syndrome. Last evaluated: 2014-12-02. Review status: criteria provided, single submitter. Criteria: Ambry Variant Classification Scheme 2023. Collection method: clinical testing. Allele origin: germline.

Natera, Inc.
Classification: Benign for Nijmegen breakage syndrome. Last evaluated: 2020-06-11. Review status: no assertion criteria provided. Collection method: clinical testing. Allele origin: germline. Not counted in ClinVar's aggregate classification.

True Health Diagnostics
Classification: Likely benign for Hereditary cancer-predisposing syndrome. Last evaluated: 2018-01-05. Review status: no assertion criteria provided. Collection method: clinical testing. Allele origin: germline. Not counted in ClinVar's aggregate classification.

Department of Pathology and Laboratory Medicine, Sinai Health System
Classification: Likely benign for Malignant tumor of breast. Review status: no assertion criteria provided. Collection method: clinical testing. Allele origin: unknown. Affected: yes. Study: The Canadian Open Genetics Repository (COGR). Not counted in ClinVar's aggregate classification.
Comment: The NBN c.37+5G>A variant was identified in 4 of 1626 proband chromosomes (frequency: 0.002) from individuals or families with breast and ovarian cancer (Castera 2014, Yorczyk 2015). The variant was also identified in dbSNP (ID: rs116735828) as With Benign allele, ClinVar (classified as benign by Ambry Genetics, Invitae), Clinvitae (classified as benign by ClinVar, Invitae), LOVD 3.0, databases. The variant was identified in control databases in 755(12 homozygous) of 272168 chromosomes at a frequency of 0.003 increasing the likelihood this could be a low frequency benign variant (Genome Aggregation Consortium Feb 27, 2017). The variant was identified in the following populations at a frequency greater than 1%: African in 549 of 23426 chromosomes (freq: 0.023). The c.37+5G>A variant is located in the 5' splice region but does not affect the invariant +1 and +2 positions. However, positions +3 to +6 are part of the splicing consensus sequence and variants involving these positions sometimes affect splicing. In addition, 4 of 5 in silico or computational prediction software programs (SpliceSiteFinder, MaxEntScan, NNSPLICE, GeneSplicer, HumanSpliceFinder) predict a greater than 10% difference in splicing. In summary, based on the above information, the clinical significance of this variant cannot be determined with certainty at this time although we would lean towards a more benign role for this variant. This variant is classified as likely benign.

Dr. Peter K. Rogan Lab, Western University
No classification provided (evidence only). Condition: Colon adenocarcinoma. Review status: no classification provided. Collection method: in vitro. Allele origin: not applicable. Functional consequence: retained intron. Not counted in ClinVar's aggregate classification.

Dr. Peter K. Rogan Lab, Western University
No classification provided (evidence only). Condition: Uterine corpus endometrial carcinoma. Review status: no classification provided. Collection method: in vitro. Allele origin: not applicable. Functional consequence: retained intron. Not counted in ClinVar's aggregate classification.

Dr. Peter K. Rogan Lab, Western University
No classification provided (evidence only). Condition: Uterine corpus endometrial carcinoma. Review status: no classification provided. Collection method: in vitro. Allele origin: not applicable. Functional consequence: retained intron. Not counted in ClinVar's aggregate classification.

Dr. Peter K. Rogan Lab, Western University
No classification provided (evidence only). Condition: Uterine corpus endometrial carcinoma. Review status: no classification provided. Collection method: in vitro. Allele origin: not applicable. Functional consequence: retained intron. Not counted in ClinVar's aggregate classification.

Dr. Peter K. Rogan Lab, Western University
No classification provided (evidence only). Condition: Sarcoma. Review status: no classification provided. Collection method: in vitro. Allele origin: not applicable. Functional consequence: retained intron. Not counted in ClinVar's aggregate classification.

Dr. Peter K. Rogan Lab, Western University
No classification provided (evidence only). Condition: Uterine carcinosarcoma. Review status: no classification provided. Collection method: in vitro. Allele origin: not applicable. Functional consequence: retained intron. Not counted in ClinVar's aggregate classification.

Literature cited by the submitters: PubMed 24549055 (cited by Quest Diagnostics Nichols Institute San Juan Capistrano); PubMed 25318351 (cited by Quest Diagnostics Nichols Institute San Juan Capistrano); PubMed 25980754 (cited by Quest Diagnostics Nichols Institute San Juan Capistrano); PubMed 30306255 (cited by Quest Diagnostics Nichols Institute San Juan Capistrano).